The following is an entry in ClinVar:

NM_000179.3(MSH6):c.3100C>T (p.Arg1034Trp)

Gene: MSH6 (mutS homolog 6; plus strand). Cytogenetic location: 2p16.3.
Variant type: single nucleotide variant.
Coding change: c.3100C>T on transcript NM_000179.3 (MANE Select); coding-DNA position 3100, C replaced by T.
Protein change: p.Arg1034Trp; replaces arginine 1034 with tryptophan.
Molecular consequence: missense variant.
Genome position (GRCh38, 1-based): chr2:47,801,083, C>T. VCF-style: chr2-47801083-C-T. GRCh37 (hg19) VCF-style: chr2-48028222-C-T.
Other names: c.2710C>T, p.Arg904Trp (NM_001281492.2); c.2194C>T, p.Arg732Trp (NM_001281493.2, NM_001281494.2); short protein forms R1034W, R732W, R904W.
Identifiers: ClinVar variation 218431 (VCV000218431.32), dbSNP rs587779930, ClinGen allele CA070044.

ClinVar aggregate classification (germline): Conflicting classifications of pathogenicity. Review status: criteria provided, conflicting classifications (1 of 4 stars). 11 submissions from 11 submitters: Uncertain significance (9); Likely benign (1). 1 of the submissions does not count toward it. Last evaluated 2025-12-22.

Conditions:
Hereditary nonpolyposis colorectal neoplasms. Identifiers: MedGen C0009405, MeSH D003123.
Hereditary cancer-predisposing syndrome. Also called: Hereditary Cancer Syndrome; Hereditary neoplastic syndrome; Neoplastic Syndromes, Hereditary; Tumor predisposition. Identifiers: Orphanet 140162, MedGen C0027672, MeSH D009386, MONDO:0015356.
Lynch syndrome. Identifiers: Orphanet 144, MedGen C4552100, MONDO:0005835. Disease mechanism: loss of function.
Lynch syndrome 5 (LYNCH5). Also called: Hereditary non-polyposis colorectal cancer, type 5; Colorectal cancer, hereditary nonpolyposis, type 5. Identifiers: Orphanet 144, MedGen C1833477, MONDO:0013710, OMIM 614350. Disease mechanism: loss of function.

Allele frequency attached by ClinVar (database versions not stated): TOPMed 0.00002; gnomAD 0.00003.
gnomAD v4.1: 22 of 1,610,222 alleles (0.0014%); highest among the groups gnomAD compares: Middle Eastern, 0.016%; no homozygotes.

Submissions (11):

Labcorp Genetics (formerly Invitae), Labcorp
Classification: Likely benign for Hereditary nonpolyposis colorectal neoplasms. Last evaluated: 2025-12-22. Review status: criteria provided, single submitter. Criteria: Invitae Variant Classification Sherloc (09022015). Collection method: clinical testing. Allele origin: germline.

Ambry Genetics
Classification: Uncertain significance for Hereditary cancer-predisposing syndrome. Last evaluated: 2025-09-23. Review status: criteria provided, single submitter. Criteria: Ambry Variant Classification Scheme 2023. Collection method: clinical testing. Allele origin: germline.
Comment: The p.R1034W variant (also known as c.3100C>T), located in coding exon 4 of the MSH6 gene, results from a C to T substitution at nucleotide position 3100. The arginine at codon 1034 is replaced by tryptophan, an amino acid with dissimilar properties. This variant has been identified in conjunction with likely pathogenic/pathogenic MSH6 variant(s) in at least one individual with no reported features of MSH6-related constitutional mismatch repair deficiency; in at least one instance, the variants were assumed in trans (Ambry internal data). This amino acid position is highly conserved in available vertebrate species. In addition, this alteration is predicted to be deleterious by in silico analysis. Since supporting evidence is limited at this time, the clinical significance of this alteration remains unclear.

Color Diagnostics, LLC DBA Color Health
Classification: Uncertain significance for Hereditary cancer-predisposing syndrome. Last evaluated: 2025-03-25. Review status: criteria provided, single submitter. Criteria: ACMG Guidelines, 2015. Collection method: clinical testing. Allele origin: germline.
Comment: This missense variant replaces arginine with tryptophan at codon 1034 of the MSH6 protein. Computational prediction suggests that this variant may have deleterious impact on protein structure and function. To our knowledge, functional studies have not been reported for this variant. This variant has not been reported in individuals affected with MSH6-related disorders in the literature. This variant has been identified in 5/278768 chromosomes in the general population by the Genome Aggregation Database (gnomAD). The available evidence is insufficient to determine the role of this variant in disease conclusively. Therefore, this variant is classified as a Variant of Uncertain Significance.

All of Us Research Program, National Institutes of Health
Classification: Uncertain significance for Lynch syndrome. Last evaluated: 2024-03-24. Review status: criteria provided, single submitter. Criteria: ACMG Guidelines, 2015. Collection method: clinical testing. Allele origin: germline. Inheritance: Autosomal dominant inheritance. Observed: 5 variant alleles, 5 heterozygotes.
Comment: This missense variant replaces arginine with tryptophan at codon 1034 of the MSH6 protein. Computational prediction suggests that this variant may have deleterious impact on protein structure and function (internally defined REVEL score threshold >= 0.7, PMID: 27666373). Splice site prediction tools suggest that this variant may not impact RNA splicing. To our knowledge, functional studies have not been performed for this variant. This variant has not been reported in individuals affected with hereditary cancer in the literature. This variant has been identified in 5/278768 chromosomes in the general population by the Genome Aggregation Database (gnomAD). The available evidence is insufficient to determine the role of this variant in disease conclusively. Therefore, this variant is classified as a Variant of Uncertain Significance.

This study involves interpretation of variants in research participants for the purpose of population health screening. Participant phenotype was not available at the time of variant classification. Additional details can be found in publication PMID: 35346344, PMCID: PMC8962531

Myriad Genetics, Inc.
Classification: Uncertain significance for Lynch syndrome 5. Last evaluated: 2023-03-28. Review status: criteria provided, single submitter. Criteria: Myriad Autosomal Dominant, Autosomal Recessive and X-Linked Classification Criteria (2023). Collection method: clinical testing. Allele origin: unknown.
Comment: This variant is classified as a variant of uncertain significance as there is insufficient evidence to determine its impact on protein function and/or cancer risk.

GeneDx
Classification: Uncertain significance. Last evaluated: 2023-03-14. Review status: criteria provided, single submitter. Criteria: GeneDx Variant Classification Process June 2021. Collection method: clinical testing. Allele origin: germline. Affected: yes.
Comment: Not observed at significant frequency in large population cohorts (gnomAD); In silico analysis supports that this missense variant has a deleterious effect on protein structure/function; Observed in cases and unaffected controls from a breast cancer study (Dorling et al., 2021); This variant is associated with the following publications: (PMID: 25042771, 28912153, 17531815, 21120944, 33471991)

Laboratorio de Genetica e Diagnostico Molecular, Hospital Israelita Albert Einstein
Classification: Uncertain significance for Lynch syndrome 5. Last evaluated: 2022-10-06. Review status: criteria provided, single submitter. Criteria: ACMG Guidelines, 2015. Collection method: clinical testing. Allele origin: germline. Affected: yes. Observed: 1 variant allele.
Comment: ACMG classification criteria: PM2 supporting, PP3 supporting

Sema4
Classification: Uncertain significance for Hereditary cancer-predisposing syndrome. Last evaluated: 2022-02-27. Review status: criteria provided, single submitter. Criteria: Sema4 Curation Guidelines. Collection method: curation. Allele origin: germline.
Comment: The MSH6 c.3100C>T (p.R1034W) variant has been reported in 1/60466 breast cancer cases and 1/53461 healthy controls by a large case-control study (PMID: 33471991). This variant was observed in 1/19902 chromosomes in the East Asian population according to the Genome Aggregation Database (PMID: 32461654). The variant has been reported in ClinVar (Variation ID: 218431). In silico tools suggest the impact of the variant on protein function is deleterious, though these predictions have not been confirmed by functional studies. The evidence is insufficient to meet ACMG/AMP criteria for classifying the variant as benign or pathogenic. Thus, the clinical significance of this variant is currently uncertain.

Mendelics
Classification: Uncertain significance for Lynch syndrome. Last evaluated: 2018-07-02. Review status: criteria provided, single submitter. Criteria: Mendelics Assertion Criteria 2017. Collection method: clinical testing. Allele origin: unknown.

Genomic Diagnostic Laboratory, Division of Genomic Diagnostics, Children's Hospital of Philadelphia
Classification: Uncertain significance for Lynch syndrome. Last evaluated: 2015-03-06. Review status: criteria provided, single submitter. Criteria: DGD Variant Analysis Guidelines. Collection method: clinical testing. Allele origin: unknown.

Counsyl
Classification: Uncertain significance for Lynch syndrome 5. Last evaluated: 2016-07-18. Review status: no assertion criteria provided. Collection method: clinical testing. Allele origin: unknown. Not counted in ClinVar's aggregate classification.

Literature cited by the submitters: PubMed 32658311 (cited by Ambry Genetics); PubMed 33471991 (cited by Sema4).